The following is an entry in ClinVar:

ClinVar aggregate classification (germline): Benign. Review status: criteria provided, multiple submitters, no conflicts (2 of 4 stars). 2 submissions from 2 submitters: Benign (2). Last evaluated 2018-01-13.

Conditions:
Osteogenesis imperfecta type 10 (OI10). Also called: OI, TYPE X. Identifiers: Orphanet 666, MedGen C3151211, MONDO:0013459, OMIM 613848.

Allele frequency attached by ClinVar (database versions not stated): gnomAD 0.03006 and 0.03179; TOPMed 0.03322; 1000 Genomes Project 0.03494.

Submissions (2):

Illumina Laboratory Services, Illumina
Classification: Benign for Osteogenesis imperfecta type 10. Last evaluated: 2018-01-13. Review status: criteria provided, single submitter. Criteria: ICSL Variant Classification Criteria 13 December 2019. Collection method: clinical testing. Allele origin: germline.
Comment: This variant was observed in the ICSL laboratory as part of a predisposition screen in an ostensibly healthy population. It had not been previously curated by ICSL or reported in the Human Gene Mutation Database (HGMD: prior to June 1st, 2018), and was therefore a candidate for classification through an automated scoring system. Utilizing variant allele frequency, disease prevalence and penetrance estimates, and inheritance mode, an automated score was calculated to assess if this variant is too frequent to cause the disease. Based on the score and internal cut-off values, a variant classified as benign is not then subjected to further curation. The score for this variant resulted in a classification of benign for this disease.

Breakthrough Genomics
Classification: Benign. Review status: criteria provided, single submitter. Criteria: ACMG Guidelines, 2015. Collection method: not provided. Allele origin: germline. Inheritance: Multifactorial inheritance. Affected: yes.

NM_001235.5(SERPINH1):c.-73G>A

Gene: SERPINH1 (serpin family H member 1; plus strand). Cytogenetic location: 11q13.5.
Variant type: single nucleotide variant.
Coding change: c.-73G>A on transcript NM_001235.5 (MANE Select); 73 bases upstream of the start codon, G replaced by A.
Molecular consequence: 5 prime UTR variant.
Genome position (GRCh38, 1-based): chr11:75,562,281, G>A. VCF-style: chr11-75562281-G-A. GRCh37 (hg19) VCF-style: chr11-75273326-G-A.
Other names: c.-117G>A (NM_001207014.3).
Identifiers: ClinVar variation 306095 (VCV000306095.6), dbSNP rs78251872, ClinGen allele CA10631530.